The following is an entry in ClinVar:

NM_000186.4(CFH):c.2284G>T (p.Glu762Ter)

Gene: CFH (complement factor H; plus strand). Cytogenetic location: 1q31.3.
Variant type: single nucleotide variant.
Coding change: c.2284G>T on transcript NM_000186.4 (MANE Select); coding-DNA position 2284, G replaced by T.
Protein change: p.Glu762Ter; replaces glutamic acid 762 with a stop codon.
Molecular consequence: nonsense.
Genome position (GRCh38, 1-based): chr1:196,728,393, G>T. VCF-style: chr1-196728393-G-T. GRCh37 (hg19) VCF-style: chr1-196697523-G-T.
Other names: short protein forms E762*.
Identifiers: ClinVar variation 4291464 (VCV004291464.1).

ClinVar aggregate classification (germline): Pathogenic, low penetrance (1 of 4 stars; one submission).

Conditions:
Atypical hemolytic-uremic syndrome. Identifiers: Orphanet 2134, MedGen C2931788, MONDO:0016244.

gnomAD v4.1: 1 of 1,592,810 alleles (0.000063%); highest among the groups gnomAD compares: South Asian, 0.0011%; no homozygotes.

Submission:

Genomenon, Inc
Classification: Pathogenic, low penetrance for Atypical hemolytic-uremic syndrome. Last evaluated: 2025-10-02. Review status: criteria provided, single submitter. Criteria: Genomenon Sequence Variant Interpretation Standards - Updated. Collection method: curation. Allele origin: germline. Affected: yes.
Comment: CFH p.Glu762Ter (c.2284G>T) is a nonsense variant that introduces a premature stop codon at amino acid position 762, creating a truncated protein that is predicted to undergo nonsense-mediated mRNA decay. This variant has been observed in at least one proband affected with atypical hemolytic-uremic syndrome (PMID:28911789). It is absent or not present at a significant frequency in gnomAD. In conclusion, we classify CFH p.Glu762Ter (c.2284G>T) as a pathogenic, low penetrance variant.

Literature cited by the submitters: PubMed 28911789.